The following is an entry in ClinVar:

ClinVar aggregate classification (germline): Uncertain significance (1 of 4 stars; one submission).

Conditions:
Joubert syndrome. Also called: CEREBELLOPARENCHYMAL DISORDER IV; JOUBERT-BOLTSHAUSER SYNDROME; Familial aplasia of the vermis. Identifiers: Orphanet 475, MedGen C5979921, MONDO:0018772.

Allele frequency attached by ClinVar (database versions not stated): gnomAD exomes below 0.00001.
gnomAD v4.1: 1 of 1,613,576 alleles (0.000062%); highest among the groups gnomAD compares: Non-Finnish European, 0.000085%; no homozygotes.

Submission:

Labcorp Genetics (formerly Invitae), Labcorp
Classification: Uncertain significance for Joubert syndrome. Last evaluated: 2021-02-04. Review status: criteria provided, single submitter. Criteria: Invitae Variant Classification Sherloc (09022015). Collection method: clinical testing. Allele origin: germline.
Comment: This sequence change falls in intron 26 of the AHI1 gene. It does not directly change the encoded amino acid sequence of the AHI1 protein. It affects a nucleotide within the consensus splice site of the intron. This variant is not present in population databases (ExAC no frequency). This variant has not been reported in the literature in individuals with AHI1-related conditions. Nucleotide substitutions within the consensus splice site are a relatively common cause of aberrant splicing (PMID: 17576681, 9536098). Algorithms developed to predict the effect of sequence changes on RNA splicing suggest that this variant is not likely to affect RNA splicing, but this prediction has not been confirmed by published transcriptional studies. In summary, the available evidence is currently insufficient to determine the role of this variant in disease. Therefore, it has been classified as a Variant of Uncertain Significance.

Literature cited by the submitters: PubMed 17576681; PubMed 9536098.

NM_001134831.2(AHI1):c.3486-3T>C

Gene: AHI1 (Abelson helper integration site 1; minus strand). Cytogenetic location: 6q23.3.
Variant type: single nucleotide variant.
Coding change: c.3486-3T>C on transcript NM_001134831.2 (MANE Select); 3 bases into the intron before coding-DNA position 3486, T replaced by C.
Molecular consequence: intron variant.
Genome position (GRCh38, 1-based): chr6:135,290,528, A>G on the plus strand (T>C on the coding strand, the complement: AHI1 is on the minus strand). VCF-style: chr6-135290528-A-G. GRCh37 (hg19) VCF-style: chr6-135611666-A-G.
Other names: c.3486-3T>C (NM_001134830.2, NM_001350503.2, NM_017651.5); c.3486-4881T>C (NM_001350504.2).
Identifiers: ClinVar variation 1478162 (VCV001478162.3), dbSNP rs1333343554, ClinGen allele CA570703876.